The following is an entry in ClinVar:

NM_172107.4(KCNQ2):c.1631+141C>T

Gene: KCNQ2 (potassium voltage-gated channel subfamily Q member 2; minus strand). Cytogenetic location: 20q13.33.
Variant type: single nucleotide variant.
Coding change: c.1631+141C>T on transcript NM_172107.4 (MANE Select); 141 bases into the intron after coding-DNA position 1631, C replaced by T.
Molecular consequence: intron variant.
Genome position (GRCh38, 1-based): chr20:63,413,947, G>A on the plus strand (C>T on the coding strand, the complement: KCNQ2 is on the minus strand). VCF-style: chr20-63413947-G-A. GRCh37 (hg19) VCF-style: chr20-62045300-G-A.
Other names: c.1547+141C>T (NM_004518.6); c.1538+141C>T (NM_172108.5); c.1577+141C>T (NM_172106.3).
Identifiers: ClinVar variation 682064 (VCV000682064.1), dbSNP rs2281569, ClinGen allele CA14855299.

ClinVar aggregate classification (germline): Benign (1 of 4 stars; one submission).

Allele frequency attached by ClinVar (database versions not stated): gnomAD exomes 0.07592; gnomAD 0.09604 and 0.09949; TOPMed 0.11610; 1000 Genomes Project 0.20048.
gnomAD v4.1: 56,705 of 698,374 alleles (8.1%); highest among the groups gnomAD compares: East Asian, 55%; 8,126 homozygotes.

Submission:

GeneDx
Classification: Benign. Last evaluated: 2018-06-14. Review status: criteria provided, single submitter. Criteria: GeneDx Variant Classification (06012015). Collection method: clinical testing. Allele origin: germline. Affected: yes.
Comment: This variant is considered likely benign or benign based on one or more of the following criteria: it is a conservative change, it occurs at a poorly conserved position in the protein, it is predicted to be benign by multiple in silico algorithms, and/or has population frequency not consistent with disease.